The following is an entry in ClinVar:

ClinVar aggregate classification (germline): Uncertain significance (1 of 4 stars; one submission).

Submission:

Ambry Genetics
Classification: Uncertain significance. Last evaluated: 2022-09-26. Review status: criteria provided, single submitter. Criteria: Ambry Variant Classification Scheme 2023. Collection method: clinical testing. Allele origin: germline.
Comment: The p.A1157V variant (also known as c.3470C>T), located in coding exon 4 of the MLH3 gene, results from a C to T substitution at nucleotide position 3470. The alanine at codon 1157 is replaced by valine, an amino acid with similar properties. This amino acid position is conserved. In addition, the in silico prediction for this alteration is inconclusive. Since supporting evidence is limited at this time, the clinical significance of this alteration remains unclear.

NM_001040108.2(MLH3):c.3470C>T (p.Ala1157Val)

Gene: MLH3 (mutL homolog 3; minus strand). Cytogenetic location: 14q24.3.
Variant type: single nucleotide variant.
Coding change: c.3470C>T on transcript NM_001040108.2 (MANE Select); coding-DNA position 3470, C replaced by T.
Protein change: p.Ala1157Val; replaces alanine 1157 with valine.
Molecular consequence: missense variant.
Genome position (GRCh38, 1-based): chr14:75,040,011, G>A on the plus strand (C>T on the coding strand, the complement: MLH3 is on the minus strand). VCF-style: chr14-75040011-G-A. GRCh37 (hg19) VCF-style: chr14-75506714-G-A.
Other names: c.3470C>T, p.Ala1157Val (NM_014381.3); short protein forms A1157V.
Identifiers: ClinVar variation 1731733 (VCV001731733.2), dbSNP rs2503196575, ClinGen allele CA390429146.